The following is an entry in ClinVar:

NM_002449.5(MSX2):c.23A>G (p.Asn8Ser)

Gene: MSX2 (msh homeobox 2; plus strand). Cytogenetic location: 5q35.2.
Variant type: single nucleotide variant.
Coding change: c.23A>G on transcript NM_002449.5 (MANE Select); coding-DNA position 23, A replaced by G.
Protein change: p.Asn8Ser; replaces asparagine 8 with serine.
Molecular consequence: missense variant.
Genome position (GRCh38, 1-based): chr5:174,724,682, A>G. VCF-style: chr5-174724682-A-G. GRCh37 (hg19) VCF-style: chr5-174151685-A-G.
Other names: c.23A>G (NM_002449.4); c.23A>G, p.Asn8Ser (NM_001363626.2); short protein forms N8S.
Identifiers: ClinVar variation 2026310 (VCV002026310.5), dbSNP rs367636705, ClinGen allele CA3565090.

ClinVar aggregate classification (germline): Likely benign. Review status: criteria provided, single submitter (1 of 4 stars). 2 submissions from 2 submitters: Likely benign (1). 1 of the submissions does not count toward it. Last evaluated 2025-05-19.

Conditions:
MSX2-related disorder. Also called: MSX2-related condition.
Cranium bifidum occultum. Also called: CATLIN MARKS; CRANIUM BIFIDUM, HEREDITARY; Enlarged Parietal Foramina. Identifiers: MedGen C1868598, HP:0004423.

Allele frequency attached by ClinVar (database versions not stated): ExAC 0.00013; ESP Exome Variant Server 0.00024; TOPMed 0.00026; gnomAD 0.00027; 1000 Genomes Project 30x 0.00031; 1000 Genomes Project 0.00040.
gnomAD v4.1: 80 of 1,587,650 alleles (0.005%); highest among the groups gnomAD compares: African/African-American, 0.1%; no homozygotes.

Submissions (2):

Labcorp Genetics (formerly Invitae), Labcorp
Classification: Likely benign for Cranium bifidum occultum. Last evaluated: 2025-05-19. Review status: criteria provided, single submitter. Criteria: Invitae Variant Classification Sherloc (09022015). Collection method: clinical testing. Allele origin: germline.

PreventionGenetics, part of Exact Sciences
Classification: Likely benign for MSX2-related condition. Last evaluated: 2024-09-08. Review status: no assertion criteria provided. Collection method: clinical testing. Allele origin: germline. Not counted in ClinVar's aggregate classification.
Comment: This variant is classified as likely benign based on ACMG/AMP sequence variant interpretation guidelines (Richards et al. 2015 PMID: 25741868, with internal and published modifications).